The following is an entry in ClinVar:

NM_020975.6(RET):c.47T>C (p.Leu16Pro)

Gene: RET (ret proto-oncogene; plus strand). Cytogenetic location: 10q11.21.
Variant type: single nucleotide variant.
Coding change: c.47T>C on transcript NM_020975.6 (MANE Select); coding-DNA position 47, T replaced by C.
Protein change: p.Leu16Pro; replaces leucine 16 with proline.
Molecular consequence: missense variant.
Genome position (GRCh38, 1-based): chr10:43,077,305, T>C. VCF-style: chr10-43077305-T-C. GRCh37 (hg19) VCF-style: chr10-43572753-T-C.
Other names: c.47T>C, p.Leu16Pro (NM_001406789.1, NM_001406790.1, NM_001406791.1 and 36 more transcripts); short protein forms L16P.
Identifiers: ClinVar variation 3432281 (VCV003432281.1).
Genomic context (GRCh38, chr10:43,077,305, plus strand): 5'-AGCGCGCACGGGCGATGGCGAAGGCGACGTCCGGTGCCGCGGGGCTGCGTCTGCTGTTGC[T>C]GCTGCTGCTGCCGCTGCTAGGCAAAGGTGAGTTCTGCCGGCCGCCGGCTCCCGCAGGGGC-3'
Protein context (NP_066124.1, residues 6-26): SGAAGLRLLL[Leu16Pro]LLLPLLGKVA

ClinVar aggregate classification (germline): Uncertain significance (1 of 4 stars; one submission).

Conditions:
Hereditary cancer-predisposing syndrome. Also called: Neoplastic Syndromes, Hereditary; Tumor predisposition; Hereditary Cancer Syndrome; Hereditary neoplastic syndrome. Identifiers: Orphanet 140162, MedGen C0027672, MeSH D009386, MONDO:0015356.

Submission:

Ambry Genetics
Classification: Uncertain significance for Hereditary cancer-predisposing syndrome. Last evaluated: 2024-10-19. Review status: criteria provided, single submitter. Criteria: Ambry Variant Classification Scheme 2023. Collection method: clinical testing. Allele origin: germline.
Comment: The p.L16P variant (also known as c.47T>C), located in coding exon 1 of the RET gene, results from a T to C substitution at nucleotide position 47. The leucine at codon 16 is replaced by proline, an amino acid with similar properties. This amino acid position is conserved. In addition, the in silico prediction for this alteration is inconclusive. Based on the available evidence, the clinical significance of this variant remains unclear.